The following is an entry in ClinVar:

ClinVar aggregate classification (germline): Uncertain significance (1 of 4 stars; one submission).

Conditions:
CFH-related disorder. Also called: CFH-related condition; CFH-related disorders.

gnomAD v4.1: 2 of 1,606,910 alleles (0.00012%); highest among the groups gnomAD compares: Non-Finnish European, 0.00017%; no homozygotes.

Submission:

3billion
Classification: Uncertain significance for CFH-related disorder. Last evaluated: 2024-06-24. Review status: criteria provided, single submitter. Criteria: ACMG Guidelines, 2015. Collection method: clinical testing. Allele origin: germline. Affected: yes.
Comment: The variant is observed at an extremely low frequency in the gnomAD v4.0.0 dataset (total allele frequency: <0.001%). Predicted Consequence/Location: Missense variant In silico tools predict the variant to alter splicing and produce an abnormal transcript [SpliceAI: 0.82 (>=0.2, moderate evidence for spliceogenicity)]. Therefore, this variant is classified as VUS according to the recommendation of ACMG/AMP guideline.

NM_000186.4(CFH):c.2596G>A (p.Glu866Lys)

Gene: CFH (complement factor H; plus strand). Cytogenetic location: 1q31.3.
Variant type: single nucleotide variant.
Coding change: c.2596G>A on transcript NM_000186.4 (MANE Select); coding-DNA position 2596, G replaced by A.
Protein change: p.Glu866Lys; replaces glutamic acid 866 with lysine.
Molecular consequence: missense variant.
Genome position (GRCh38, 1-based): chr1:196,737,006, G>A. VCF-style: chr1-196737006-G-A. GRCh37 (hg19) VCF-style: chr1-196706136-G-A.
Other names: short protein forms E866K.
Identifiers: ClinVar variation 4291775 (VCV004291775.1).